The following is an entry in ClinVar:

NM_033026.6(PCLO):c.9785C>G (p.Ser3262Cys)

Gene: PCLO (piccolo presynaptic cytomatrix protein; minus strand). Cytogenetic location: 7q21.11.
Variant type: single nucleotide variant.
Coding change: c.9785C>G on transcript NM_033026.6 (MANE Select); coding-DNA position 9785, C replaced by G.
Protein change: p.Ser3262Cys; replaces serine 3262 with cysteine.
Molecular consequence: missense variant.
Genome position (GRCh38, 1-based): chr7:82,950,803, G>C on the plus strand (C>G on the coding strand, the complement: PCLO is on the minus strand). VCF-style: chr7-82950803-G-C. GRCh37 (hg19) VCF-style: chr7-82580119-G-C.
Other names: c.9785C>G, p.Ser3262Cys (NM_014510.3); short protein forms S3262C.
Identifiers: ClinVar variation 2110528 (VCV002110528.4), dbSNP rs1255254741, ClinGen allele CA367906600.
Genomic context (GRCh38, chr7:82,950,803, plus strand): 5'-CTCATCATGAACTGGGCTTGCCGCTCTTCTTCTTGCTGAAAGAGAAGGTGTTGCTTCATA[G>C]ACTGCAGCTCCTCCAACTTTTTCTGAACCATGATCTTTTCTTGTTCTCGGAACCTTTGAA-3'
Protein context (NP_149015.2, residues 3252-3272): MVQKKLEELQ[Ser3262Cys]MKQHLLFQQE

ClinVar aggregate classification (germline): Uncertain significance (1 of 4 stars; one submission).

Submission:

Labcorp Genetics (formerly Invitae), Labcorp
Classification: Uncertain significance. Last evaluated: 2022-03-12. Review status: criteria provided, single submitter. Criteria: Invitae Variant Classification Sherloc (09022015). Collection method: clinical testing. Allele origin: germline.
Comment: In summary, the available evidence is currently insufficient to determine the role of this variant in disease. Therefore, it has been classified as a Variant of Uncertain Significance. Algorithms developed to predict the effect of missense changes on protein structure and function are either unavailable or do not agree on the potential impact of this missense change (SIFT: "Deleterious"; PolyPhen-2: "Not Available"; Align-GVGD: "Class C0"). This variant has not been reported in the literature in individuals affected with PCLO-related conditions. This variant is not present in population databases (gnomAD no frequency). This sequence change replaces serine, which is neutral and polar, with cysteine, which is neutral and slightly polar, at codon 3262 of the PCLO protein (p.Ser3262Cys).